The following is an entry in ClinVar:

ClinVar aggregate classification (germline): Uncertain significance (1 of 4 stars; one submission).

Conditions:
Familial hypobetalipoproteinemia 1. Also called: APOB-Related Familial Hypobetalipoproteinemia; Hypobetalipoproteinemia, normotriglyceridemic; Acanthocytosis with hypobetalipoproteinemia. Identifiers: MedGen C4551990, MONDO:0014252, OMIM 615558.
Hypercholesterolemia, autosomal dominant, type B (FHCL2). Also called: Familial Hypercholesterolemia Type B; APOLIPOPROTEIN B-100, FAMILIAL DEFECTIVE; APOLIPOPROTEIN B-100, FAMILIAL LIGAND-DEFECTIVE; HYPERCHOLESTEROLEMIA, FAMILIAL, DUE TO LIGAND-DEFECTIVE APOLIPOPROTEIN B; Hyperlipoproteinemia Type IIb; Familial hypercholesterolemia 2. Identifiers: MedGen C1704417, MONDO:0007751, OMIM 144010.

Submission:

Labcorp Genetics (formerly Invitae), Labcorp
Classification: Uncertain significance for Familial hypobetalipoproteinemia 1; Hypercholesterolemia, autosomal dominant, type B. Last evaluated: 2024-03-21. Review status: criteria provided, single submitter. Criteria: Invitae Variant Classification Sherloc (09022015). Collection method: clinical testing. Allele origin: germline.
Comment: This sequence change replaces isoleucine, which is neutral and non-polar, with methionine, which is neutral and non-polar, at codon 3936 of the APOB protein (p.Ile3936Met). This variant is not present in population databases (gnomAD no frequency). This variant has not been reported in the literature in individuals affected with APOB-related conditions. Advanced modeling of protein sequence and biophysical properties (such as structural, functional, and spatial information, amino acid conservation, physicochemical variation, residue mobility, and thermodynamic stability) performed at Invitae indicates that this missense variant is not expected to disrupt APOB protein function with a negative predictive value of 95%. In summary, the available evidence is currently insufficient to determine the role of this variant in disease. Therefore, it has been classified as a Variant of Uncertain Significance.

NM_000384.3(APOB):c.11808C>G (p.Ile3936Met)

Gene: APOB (apolipoprotein B; minus strand). Cytogenetic location: 2p24.1.
Variant type: single nucleotide variant.
Coding change: c.11808C>G on transcript NM_000384.3 (MANE Select); coding-DNA position 11808, C replaced by G.
Protein change: p.Ile3936Met; replaces isoleucine 3936 with methionine.
Molecular consequence: missense variant.
Genome position (GRCh38, 1-based): chr2:21,004,656, G>C on the plus strand (C>G on the coding strand, the complement: APOB is on the minus strand). VCF-style: chr2-21004656-G-C. GRCh37 (hg19) VCF-style: chr2-21227528-G-C.
Other names: short protein forms I3936M.
Identifiers: ClinVar variation 3753595 (VCV003753595.2).
Genomic context (GRCh38, chr2:21,004,656, plus strand): 5'-TGCACTGAAGTCACGGTGTGCAAATGTTCCTTTAGTCTTAGAGGCTAACGTACCATCTTC[G>C]ATTTTGTGTGTTCCCAAAACTGTATAGGAGAGATTTTGTATTTTATTAGATTCATAACAG-3'
Protein context (NP_000375.3, residues 3926-3946): YELNVLGTHK[Ile3936Met]EDGTLASKTK